The following is an entry in ClinVar:

NM_021971.4(GMPPB):c.728G>A (p.Arg243Gln)

Gene: GMPPB (GDP-mannose pyrophosphorylase B; minus strand). Cytogenetic location: 3p21.31.
Variant type: single nucleotide variant.
Coding change: c.728G>A on transcript NM_021971.4 (MANE Select); coding-DNA position 728, G replaced by A.
Protein change: p.Arg243Gln; replaces arginine 243 with glutamine.
Molecular consequence: missense variant.
Genome position (GRCh38, 1-based): chr3:49,722,271, C>T on the plus strand (G>A on the coding strand, the complement: GMPPB is on the minus strand). VCF-style: chr3-49722271-C-T. GRCh37 (hg19) VCF-style: chr3-49759704-C-T.
Other names: c.728G>A, p.Arg243Gln (NM_013334.4); short protein forms R243Q.
Identifiers: ClinVar variation 260287 (VCV000260287.9), dbSNP rs749730219, ClinGen allele CA2405464.
Genomic context (GRCh38, chr3:49,722,271, plus strand): 5'-GGGCTGGGCAAGGGCCTCACCACCAGCACGTTGCCCACAATGCCAGGGCCTGAGCACAGC[C>T]GCTCAGGCTGCTTCTGCCTCAGTGACTGCAGGAAGAGGCACATGCCAGTGAGGAAGTCCT-3'
Protein context (NP_068806.2, residues 233-253): LQSLRQKQPE[Arg243Gln]LCSGPGIVGN

ClinVar aggregate classification (germline): Conflicting classifications of pathogenicity. Review status: criteria provided, conflicting classifications (1 of 4 stars). 3 submissions from 3 submitters: Uncertain significance (2); Likely benign (1). Last evaluated 2024-12-20.

Conditions:
Muscular dystrophy-dystroglycanopathy (congenital with impaired intellectual development), type B, 14. Also called: MUSCULAR DYSTROPHY, CONGENITAL, GMPPB-RELATED; Muscular dystrophy-dystroglycanopathy (congenital with intellectual disability), type B14; Congenital muscular dystrophy-dystroglycanopathy with mental retardation, type B14. Identifiers: MedGen C3809221, MONDO:0014141, OMIM 615351.
Autosomal recessive limb-girdle muscular dystrophy type 2T. Also called: MUSCULAR DYSTROPHY-DYSTROGLYCANOPATHY, LIMB-GIRDLE, GMPPB-RELATED; MUSCULAR DYSTROPHY, LIMB-GIRDLE, TYPE 2T; Muscular dystrophy-dystroglycanopathy (limb-girdle), type c, 14; Limb-girdle muscular dystrophy-dystroglycanopathy, type C14. Identifiers: Orphanet 363623, MedGen C4518000, MONDO:0014142, OMIM 615352.
Muscular dystrophy-dystroglycanopathy (congenital with brain and eye anomalies), type A14. Also called: WALKER-WARBURG SYNDROME OR MUSCLE-EYE-BRAIN DISEASE, GMPPB-RELATED; Muscular dystrophy-dystroglycanopathy (congenital with brain and eye anomalies), type a, 14; Congenital Muscular Dystrophy-Dystroglycanopathy with Brain and Eye Anomalies Type A 14; Congenital muscular dystrophy-dystroglycanopathy with brain and eye anomalies, type A14. Identifiers: Orphanet 588, MedGen C3809216, MONDO:0014140, OMIM 615350.

Allele frequency attached by ClinVar (database versions not stated): gnomAD 0.00001; ExAC 0.00002; gnomAD exomes 0.00002; TOPMed 0.00005.

Submissions (3):

Revvity Omics, Revvity
Classification: Uncertain significance. Last evaluated: 2024-12-20. Review status: criteria provided, single submitter. Criteria: ACMG Guidelines, 2015. Collection method: clinical testing. Allele origin: germline.

Labcorp Genetics (formerly Invitae), Labcorp
Classification: Uncertain significance for Autosomal recessive limb-girdle muscular dystrophy type 2T; Muscular dystrophy-dystroglycanopathy (congenital with brain and eye anomalies), type A14; Muscular dystrophy-dystroglycanopathy (congenital with impaired intellectual development), type B, 14. Last evaluated: 2022-09-12. Review status: criteria provided, single submitter. Criteria: Invitae Variant Classification Sherloc (09022015). Collection method: clinical testing. Allele origin: germline.
Comment: This sequence change replaces arginine, which is basic and polar, with glutamine, which is neutral and polar, at codon 243 of the GMPPB protein (p.Arg243Gln). This variant is present in population databases (rs749730219, gnomAD 0.006%). This variant has not been reported in the literature in individuals affected with GMPPB-related conditions. ClinVar contains an entry for this variant (Variation ID: 260287). Advanced modeling of protein sequence and biophysical properties (such as structural, functional, and spatial information, amino acid conservation, physicochemical variation, residue mobility, and thermodynamic stability) performed at Invitae indicates that this missense variant is not expected to disrupt GMPPB protein function. In summary, the available evidence is currently insufficient to determine the role of this variant in disease. Therefore, it has been classified as a Variant of Uncertain Significance.

PreventionGenetics, part of Exact Sciences
Classification: Likely benign. Review status: criteria provided, single submitter. Criteria: ACMG Guidelines, 2015. Collection method: clinical testing. Allele origin: germline.